The following is an entry in ClinVar:

NM_181882.3(PRX):c.376A>G (p.Lys126Glu)

Gene: PRX (periaxin; minus strand). Cytogenetic location: 19q13.2.
Variant type: single nucleotide variant.
Coding change: c.376A>G on transcript NM_181882.3 (MANE Select); coding-DNA position 376, A replaced by G.
Protein change: p.Lys126Glu; replaces lysine 126 with glutamic acid.
Molecular consequence: missense variant.
Genome position (GRCh38, 1-based): chr19:40,398,625, T>C on the plus strand (A>G on the coding strand, the complement: PRX is on the minus strand). VCF-style: chr19-40398625-T-C. GRCh37 (hg19) VCF-style: chr19-40904532-T-C.
Other names: c.661A>G, p.Lys221Glu (NM_001411127.1); c.376A>G, p.Lys126Glu (NM_020956.2); short protein forms K126E, K221E.
Identifiers: ClinVar variation 4687523 (VCV004687523.1).

ClinVar aggregate classification (germline): Uncertain significance (1 of 4 stars; one submission).

Submission:

Women's Health and Genetics/Laboratory Corporation of America, LabCorp
Classification: Uncertain significance. Last evaluated: 2025-10-07. Review status: criteria provided, single submitter. Criteria: LabCorp Variant Classification Summary - May 2015. Collection method: clinical testing. Allele origin: germline.
Comment: Variant summary: PRX c.376A>G (p.Lys126Glu) results in a conservative amino acid change in the encoded protein sequence. Algorithms developed to predict the effect of missense changes on protein structure and function are either unavailable or do not agree on the potential impact of this missense change. The variant was absent in 248500 control chromosomes. The available data on variant occurrences in the general population are insufficient to allow any conclusion about variant significance. To our knowledge, no occurrence of c.376A>G in individuals affected with PRX-related conditions and no experimental evidence demonstrating its impact on protein function have been reported. No submitters have cited clinical-significance assessments for this variant to ClinVar. Based on the evidence outlined above, the variant was classified as uncertain significance.